The following is an entry in ClinVar:

NM_018979.4(WNK1):c.6276T>A (p.Ser2092Arg)

Gene: WNK1 (WNK lysine deficient protein kinase 1; plus strand). Cytogenetic location: 12p13.33.
Variant type: single nucleotide variant.
Coding change: c.6276T>A on transcript NM_018979.4 (MANE Select); coding-DNA position 6276, T replaced by A.
Protein change: p.Ser2092Arg; replaces serine 2092 with arginine.
Molecular consequence: missense variant.
Genome position (GRCh38, 1-based): chr12:897,509, T>A. VCF-style: chr12-897509-T-A. GRCh37 (hg19) VCF-style: chr12-1006675-T-A.
Other names: c.7032T>A, p.Ser2344Arg (NM_213655.5); c.7056T>A, p.Ser2352Arg (NM_001184985.2); c.5532T>A, p.Ser1844Arg (NM_014823.3); short protein forms S1844R, S2092R, S2344R, S2352R.
Identifiers: ClinVar variation 4787491 (VCV004787491.1).

ClinVar aggregate classification (germline): Uncertain significance (1 of 4 stars; one submission).

Conditions:
Neuropathy, hereditary sensory and autonomic, type 2A (HSAN2A). Also called: WNK1-Related HSAN2 (HSAN2A); ACROOSTEOLYSIS, GIACCAI TYPE; ACROOSTEOLYSIS, NEUROGENIC; MORVAN DISEASE; NEUROPATHY, CONGENITAL SENSORY; NEUROPATHY, HEREDITARY SENSORY RADICULAR, AUTOSOMAL RECESSIVE. Identifiers: Orphanet 970, MedGen C2752089, MONDO:0024309, OMIM 201300.
Pseudohypoaldosteronism type 2C (PHA2C). Also called: Pseudohypoaldosteronism Type IIC. Identifiers: Orphanet 757, Orphanet 88940, MedGen C1840391, MONDO:0013778, OMIM 614492.

gnomAD v4.1: 19 of 1,611,144 alleles (0.0012%); highest among the groups gnomAD compares: Non-Finnish European, 0.0016%; no homozygotes.

Submission:

Labcorp Genetics (formerly Invitae), Labcorp
Classification: Uncertain significance for Neuropathy, hereditary sensory and autonomic, type 2A; Pseudohypoaldosteronism type 2C. Last evaluated: 2026-01-21. Review status: criteria provided, single submitter. Criteria: Invitae Variant Classification Sherloc (09022015). Collection method: clinical testing. Allele origin: germline.
Comment: This sequence change replaces serine, which is neutral and polar, with arginine, which is basic and polar, at codon 2344 of the WNK1 protein (p.Ser2344Arg). This variant is present in population databases (no rsID available, gnomAD 0.0009%). This missense change has been observed in individual(s) with pseudohypoaldosteronism (PMID: 35859812). This variant is also known as c.6276 T>A (p.Ser2092Arg). Invitae Evidence Modeling of protein sequence and biophysical properties (such as structural, functional, and spatial information, amino acid conservation, physicochemical variation, residue mobility, and thermodynamic stability) indicates that this missense variant is not expected to disrupt WNK1 protein function with a negative predictive value of 95%. In summary, the available evidence is currently insufficient to determine the role of this variant in disease. Therefore, it has been classified as a Variant of Uncertain Significance.

Literature cited by the submitters: PubMed 35859812.